The following is an entry in ClinVar:

ClinVar aggregate classification (germline): Pathogenic (1 of 4 stars; one submission).

Submission:

GeneDx
Classification: Pathogenic. Last evaluated: 2017-06-28. Review status: criteria provided, single submitter. Criteria: GeneDx Variant Classification (06012015). Collection method: clinical testing. Allele origin: germline. Affected: yes.
Comment: The c.860_864delTTAAA variant in the YY1 gene has not been reported previously as a pathogenic variant nor as a benign variant, to our knowledge. The c.860_864delTTAAA variant causes a frameshift starting with codon Isoleucine 287, changes this amino acid to an Arginine residue, and creates a premature Stop codon at position 3 of the new reading frame, denoted p.Ile287ArgfsX3. This variant is predicted to cause loss of normal protein function either through protein truncation or nonsense-mediated mRNA decay. The c.860_864delTTAAA variant is not observed in large population cohorts (Lek et al., 2016; 1000 Genomes Consortium et al., 2015; Exome Variant Server). We interpret c.860_864delTTAAA as a pathogenic variant.

NM_003403.5(YY1):c.860_864del (p.Ile287fs)

Gene: YY1 (YY1 transcription factor; plus strand). Cytogenetic location: 14q32.2.
Variant type: Deletion.
Coding change: c.860_864del on transcript NM_003403.5 (MANE Select); coding-DNA positions 860 to 864, 5 bases deleted (TTAAA; older notation c.860_864delTTAAA).
Protein change: p.Ile287fs; shifts the reading frame from isoleucine 287.
Molecular consequence: frameshift variant.
Genome position (GRCh38, 1-based): chr14:100,274,715-100,274,719, TTAAA deleted; deleting any 5 consecutive bases within chr14:100,274,712-100,274,719 gives the same sequence; the c. name uses the placement nearest the transcript's 3' end. VCF-style (leftmost placement, unchanged base first): chr14-100274711-AAAATT-A. GRCh37 (hg19) VCF-style: chr14-100741048-AAAATT-A.
Other names: short protein forms I287fs.
Identifiers: ClinVar variation 432981 (VCV000432981.2), dbSNP rs1555370811, ClinGen allele CA645372567.